The following is an entry in ClinVar:

NM_003922.4(HERC1):c.11503G>C (p.Ala3835Pro)

Gene: HERC1 (HECT and RLD domain containing E3 ubiquitin protein ligase family member 1; minus strand). Cytogenetic location: 15q22.31.
Variant type: single nucleotide variant.
Coding change: c.11503G>C on transcript NM_003922.4 (MANE Select); coding-DNA position 11503, G replaced by C.
Protein change: p.Ala3835Pro; replaces alanine 3835 with proline.
Molecular consequence: missense variant.
Genome position (GRCh38, 1-based): chr15:63,641,574, C>G on the plus strand (G>C on the coding strand, the complement: HERC1 is on the minus strand). VCF-style: chr15-63641574-C-G. GRCh37 (hg19) VCF-style: chr15-63933773-C-G.
Other names: short protein forms A3835P.
Identifiers: ClinVar variation 1964298 (VCV001964298.5), dbSNP rs1454434035, ClinGen allele CA392746641.

ClinVar aggregate classification (germline): Uncertain significance (1 of 4 stars; one submission).

Allele frequency attached by ClinVar (database versions not stated): gnomAD exomes below 0.00001; gnomAD 0.00001; TOPMed 0.00001.
gnomAD v4.1: 2 of 1,605,642 alleles (0.00012%); highest among the groups gnomAD compares: Admixed American, 0.0034%; no homozygotes.

Submission:

Labcorp Genetics (formerly Invitae), Labcorp
Classification: Uncertain significance. Last evaluated: 2022-06-16. Review status: criteria provided, single submitter. Criteria: Invitae Variant Classification Sherloc (09022015). Collection method: clinical testing. Allele origin: germline.
Comment: In summary, the available evidence is currently insufficient to determine the role of this variant in disease. Therefore, it has been classified as a Variant of Uncertain Significance. Algorithms developed to predict the effect of missense changes on protein structure and function (SIFT, PolyPhen-2, Align-GVGD) all suggest that this variant is likely to be disruptive. This sequence change replaces alanine, which is neutral and non-polar, with proline, which is neutral and non-polar, at codon 3835 of the HERC1 protein (p.Ala3835Pro). This variant is present in population databases (no rsID available, gnomAD 0.003%). This variant has not been reported in the literature in individuals affected with HERC1-related conditions.